The following is an entry in ClinVar:

NM_002156.5(HSPD1):c.1273C>T (p.Leu425Phe)

Gene: HSPD1 (heat shock protein family D (Hsp60) member 1; minus strand). Cytogenetic location: 2q33.1.
Variant type: single nucleotide variant.
Coding change: c.1273C>T on transcript NM_002156.5 (MANE Select); coding-DNA position 1273, C replaced by T.
Protein change: p.Leu425Phe; replaces leucine 425 with phenylalanine.
Molecular consequence: missense variant.
Genome position (GRCh38, 1-based): chr2:197,488,434, G>A on the plus strand (C>T on the coding strand, the complement: HSPD1 is on the minus strand). VCF-style: chr2-197488434-G-A. GRCh37 (hg19) VCF-style: chr2-198353158-G-A.
Other names: c.1273C>T, p.Leu425Phe (NM_199440.2); short protein forms L425F.
Identifiers: ClinVar variation 4743749 (VCV004743749.1).

ClinVar aggregate classification (germline): Uncertain significance (1 of 4 stars; one submission).

Conditions:
Spastic paraplegia. Identifiers: MedGen C0037772, HP:0001258.

gnomAD v4.1: 1 of 1,613,728 alleles (0.000062%); highest among the groups gnomAD compares: South Asian, 0.0011%; no homozygotes.

Submission:

Labcorp Genetics (formerly Invitae), Labcorp
Classification: Uncertain significance for Spastic paraplegia. Last evaluated: 2025-09-16. Review status: criteria provided, single submitter. Criteria: Invitae Variant Classification Sherloc (09022015). Collection method: clinical testing. Allele origin: germline.
Comment: This sequence change replaces leucine, which is neutral and non-polar, with phenylalanine, which is neutral and non-polar, at codon 425 of the HSPD1 protein (p.Leu425Phe). This variant is present in population databases (no rsID available, gnomAD 0.003%). This variant has not been reported in the literature in individuals affected with HSPD1-related conditions. Invitae Evidence Modeling of protein sequence and biophysical properties (such as structural, functional, and spatial information, amino acid conservation, physicochemical variation, residue mobility, and thermodynamic stability) indicates that this missense variant is expected to disrupt HSPD1 protein function with a positive predictive value of 80%. In summary, the available evidence is currently insufficient to determine the role of this variant in disease. Therefore, it has been classified as a Variant of Uncertain Significance.